The following is an entry in ClinVar:

ClinVar aggregate classification (germline): Likely benign. Review status: criteria provided, multiple submitters, no conflicts (2 of 4 stars). 2 submissions from 2 submitters: Likely benign (2). Last evaluated 2026-03-01.

Allele frequency attached by ClinVar (database versions not stated): ExAC 0.00098; 1000 Genomes Project 30x 0.00312; ESP Exome Variant Server 0.00354; 1000 Genomes Project 0.00359.
gnomAD v4.1: 968 of 1,612,754 alleles (0.06%); highest among the groups gnomAD compares: African/African-American, 0.87%; 7 homozygotes.

Submissions (2):

CeGaT Center for Human Genetics Tuebingen
Classification: Likely benign. Last evaluated: 2026-03-01. Review status: criteria provided, single submitter. Criteria: CeGaT Center For Human Genetics Tuebingen Variant Classification Criteria Version 2. Collection method: clinical testing. Allele origin: germline. Affected: yes. Observed: 4 variant alleles.
Comment: COL6A2: BP4, BS2

GeneDx
Classification: Likely benign. Last evaluated: 2021-01-23. Review status: criteria provided, single submitter. Criteria: GeneDx Variant Classification Process June 2021. Collection method: clinical testing. Allele origin: germline. Affected: yes.

NM_001849.4(COL6A2):c.2461+2370G>A

Gene: COL6A2 (collagen type VI alpha 2 chain; plus strand). Cytogenetic location: 21q22.3.
Variant type: single nucleotide variant.
Coding change: c.2461+2370G>A on transcript NM_001849.4 (MANE Select); 2370 bases into the intron after coding-DNA position 2461, G replaced by A.
Molecular consequence: intron variant. On other transcripts: missense variant (1).
Genome position (GRCh38, 1-based): chr21:46,128,911, G>A. VCF-style: chr21-46128911-G-A. GRCh37 (hg19) VCF-style: chr21-47548825-G-A.
Other names: c.2470G>A, p.Gly824Arg (NM_058175.3); c.2462-285G>A (NM_058174.3); short protein forms G824R.
Identifiers: ClinVar variation 1253871 (VCV001253871.29), dbSNP rs9977766, ClinGen allele CA10072670.